The following is an entry in ClinVar:

NM_013275.6(ANKRD11):c.161G>A (p.Arg54Gln)

Gene: ANKRD11 (ankyrin repeat domain 11; minus strand). Cytogenetic location: 16q24.3.
Variant type: single nucleotide variant.
Coding change: c.161G>A on transcript NM_013275.6 (MANE Select); coding-DNA position 161, G replaced by A.
Protein change: p.Arg54Gln; replaces arginine 54 with glutamine.
Molecular consequence: missense variant. On other transcripts: non-coding transcript variant (1).
Genome position (GRCh38, 1-based): chr16:89,305,271, C>T on the plus strand (G>A on the coding strand, the complement: ANKRD11 is on the minus strand). VCF-style: chr16-89305271-C-T. GRCh37 (hg19) VCF-style: chr16-89371679-C-T.
Other names: c.161G>A, p.Arg54Gln (NM_001256182.2, NM_001256183.2); short protein forms R54Q.
Identifiers: ClinVar variation 3714469 (VCV003714469.2).

ClinVar aggregate classification (germline): Uncertain significance (1 of 4 stars; one submission).

Conditions:
KBG syndrome (KBGS). Also called: ANKRD11-Related KBG Syndrome. Identifiers: Orphanet 2332, MedGen C0220687, MONDO:0007846, OMIM 148050.

gnomAD v4.1: 1 of 1,613,910 alleles (0.000062%); highest among the groups gnomAD compares: Non-Finnish European, 0.000085%; no homozygotes.

Submission:

Labcorp Genetics (formerly Invitae), Labcorp
Classification: Uncertain significance for KBG syndrome. Last evaluated: 2024-08-15. Review status: criteria provided, single submitter. Criteria: Invitae Variant Classification Sherloc (09022015). Collection method: clinical testing. Allele origin: germline.
Comment: This sequence change replaces arginine, which is basic and polar, with glutamine, which is neutral and polar, at codon 54 of the ANKRD11 protein (p.Arg54Gln). This variant is not present in population databases (gnomAD no frequency). This variant has not been reported in the literature in individuals affected with ANKRD11-related conditions. Invitae Evidence Modeling of protein sequence and biophysical properties (such as structural, functional, and spatial information, amino acid conservation, physicochemical variation, residue mobility, and thermodynamic stability) indicates that this missense variant is not expected to disrupt ANKRD11 protein function with a negative predictive value of 95%. In summary, the available evidence is currently insufficient to determine the role of this variant in disease. Therefore, it has been classified as a Variant of Uncertain Significance.